The following is an entry in ClinVar:

ClinVar aggregate classification (germline): Uncertain significance. Review status: criteria provided, multiple submitters, no conflicts (2 of 4 stars). 2 submissions from 2 submitters: Uncertain significance (2). Last evaluated 2025-03-04.

Submissions (2):

Center for Genomic Medicine, Rigshospitalet, Copenhagen University Hospital
Classification: Uncertain significance. Last evaluated: 2025-03-04. Review status: criteria provided, single submitter. Criteria: ACMG Guidelines, 2015. Collection method: clinical testing. Allele origin: germline.

Labcorp Genetics (formerly Invitae), Labcorp
Classification: Uncertain significance. Last evaluated: 2025-03-04. Review status: criteria provided, single submitter. Criteria: Invitae Variant Classification Sherloc (09022015). Collection method: clinical testing. Allele origin: germline.
Comment: This sequence change replaces histidine, which is basic and polar, with tyrosine, which is neutral and polar, at codon 735 of the POLE protein (p.His735Tyr). This variant is not present in population databases (gnomAD no frequency). This variant has not been reported in the literature in individuals affected with POLE-related conditions. ClinVar contains an entry for this variant (Variation ID: 2576452). Invitae Evidence Modeling of protein sequence and biophysical properties (such as structural, functional, and spatial information, amino acid conservation, physicochemical variation, residue mobility, and thermodynamic stability) indicates that this missense variant is not expected to disrupt POLE protein function with a negative predictive value of 80%. In summary, the available evidence is currently insufficient to determine the role of this variant in disease. Therefore, it has been classified as a Variant of Uncertain Significance.

NM_006231.4(POLE):c.2203C>T (p.His735Tyr)

Gene: POLE (DNA polymerase epsilon, catalytic subunit; minus strand). Cytogenetic location: 12q24.33.
Variant type: single nucleotide variant.
Coding change: c.2203C>T on transcript NM_006231.4 (MANE Select); coding-DNA position 2203, C replaced by T.
Protein change: p.His735Tyr; replaces histidine 735 with tyrosine.
Molecular consequence: missense variant.
Genome position (GRCh38, 1-based): chr12:132,667,619, G>A on the plus strand (C>T on the coding strand, the complement: POLE is on the minus strand). VCF-style: chr12-132667619-G-A. GRCh37 (hg19) VCF-style: chr12-133244205-G-A.
Other names: short protein forms H735Y.
Identifiers: ClinVar variation 2576452 (VCV002576452.5), dbSNP rs2135970843, ClinGen allele CA387352309.